The following is an entry in ClinVar:

NM_001378120.1(MBD5):c.3851C>T (p.Pro1284Leu)

Gene: MBD5 (methyl-CpG binding domain protein 5; plus strand). Cytogenetic location: 2q23.1.
Variant type: single nucleotide variant.
Coding change: c.3851C>T on transcript NM_001378120.1 (MANE Select); coding-DNA position 3851, C replaced by T.
Protein change: p.Pro1284Leu; replaces proline 1284 with leucine.
Molecular consequence: missense variant.
Genome position (GRCh38, 1-based): chr2:148,489,483, C>T. VCF-style: chr2-148489483-C-T. GRCh37 (hg19) VCF-style: chr2-149247052-C-T.
Other names: c.3152C>T, p.Pro1051Leu (NM_018328.5); short protein forms P1051L, P1284L.
Identifiers: ClinVar variation 424143 (VCV000424143.3), dbSNP rs761872951, ClinGen allele CA16617237.

ClinVar aggregate classification (germline): Uncertain significance. Review status: criteria provided, multiple submitters, no conflicts (2 of 4 stars). 2 submissions from 2 submitters: Uncertain significance (2). Last evaluated 2025-03-26.

Conditions:
Inborn genetic diseases. Identifiers: MedGen C0950123, MeSH D030342.

gnomAD v4.1: 1 of 1,614,188 alleles (0.000062%); highest among the groups gnomAD compares: Non-Finnish European, 0.000085%; no homozygotes.

Submissions (2):

Ambry Genetics
Classification: Uncertain significance for Inborn genetic diseases. Last evaluated: 2025-03-26. Review status: criteria provided, single submitter. Criteria: Ambry Variant Classification Scheme 2023. Collection method: clinical testing. Allele origin: germline.

GeneDx
Classification: Uncertain significance. Last evaluated: 2017-10-11. Review status: criteria provided, single submitter. Criteria: GeneDx Variant Classification (06012015). Collection method: clinical testing. Allele origin: germline. Affected: yes.
Comment: A variant of uncertain significance has been identified in the MBD5 gene. The P1051L variant has not been published as a pathogenic variant, nor has it been reported as a benign variant to our knowledge. The P1051L variant is not observed in large population cohorts (Lek et al., 2016; 1000 Genomes Consortium et al., 2015; Exome Variant Server). The P1051L variant is a semi-conservative amino acid substitution, which may impact secondary protein structure as these residues differ in some properties. However, this substitution occurs at a position that is not conserved. In silico analysis is inconsistent in its predictions as to whether or not the variant is damaging to the protein structure/function. Additionally, to our knowledge, only loss-of-function pathogenic variants in MBD5 have been published in association with epilepsy. Therefore, based on the currently available information, it is unclear whether this variant is a pathogenic variant or a rare benign variant.